The following is an entry in ClinVar:

NM_000548.5(TSC2):c.1012A>T (p.Ile338Phe)

Gene: TSC2 (TSC complex subunit 2; plus strand). Cytogenetic location: 16p13.3.
Variant type: single nucleotide variant.
Coding change: c.1012A>T on transcript NM_000548.5 (MANE Select); coding-DNA position 1012, A replaced by T.
Protein change: p.Ile338Phe; replaces isoleucine 338 with phenylalanine.
Molecular consequence: missense variant. On other transcripts: 5 prime UTR variant (10), non-coding transcript variant (5).
Genome position (GRCh38, 1-based): chr16:2,060,706, A>T. VCF-style: chr16-2060706-A-T. GRCh37 (hg19) VCF-style: chr16-2110707-A-T.
Other names: c.1012A>T, p.Ile338Phe (NM_001077183.3, NM_001114382.3, NM_001363528.2 and 6 more transcripts); c.901A>T, p.Ile301Phe (NM_001318827.2, NM_001406670.1, NM_001406678.1); c.865A>T, p.Ile289Phe (NM_001318829.2, NM_001406675.1, NM_001406676.1 and 1 more transcripts); c.412A>T, p.Ile138Phe (NM_001318831.2, NM_001406680.1, NM_001406682.1 and 6 more transcripts); c.1045A>T, p.Ile349Phe (NM_001318832.2); c.1102A>T, p.Ile368Phe (NM_001406667.1, NM_001406668.1); c.1000A>T, p.Ile334Phe (NM_001406671.1, NM_001406673.1); c.955A>T, p.Ile319Phe (NM_001406677.1); and 4 more; short protein forms I138F, I184F, I289F, I301F, I319F, I334F, I338F, I349F.
Identifiers: ClinVar variation 3039986 (VCV003039986.2), dbSNP rs2151135667, ClinGen allele CA394317490.

ClinVar aggregate classification (germline): Uncertain significance (0 of 4 stars; one submission).

Conditions:
TSC2-related disorder. Also called: TSC2-related condition; TSC2-Related Disorders.

Submission:

PreventionGenetics, part of Exact Sciences
Classification: Uncertain significance for TSC2-related condition. Last evaluated: 2024-02-12. Review status: no assertion criteria provided. Collection method: clinical testing. Allele origin: germline.
Comment: The TSC2 c.1012A>T variant is predicted to result in the amino acid substitution p.Ile338Phe. To our knowledge, this variant has not been reported in the literature or in a large population database, indicating this variant is rare. At this time, the clinical significance of this variant is uncertain due to the absence of conclusive functional and genetic evidence.